The following is an entry in ClinVar:

NM_001164508.2(NEB):c.23495_23496del (p.Thr7832fs)

Genes: NEB (nebulin; minus strand), RIF1 (replication timing regulatory factor 1; plus strand). Cytogenetic location: 2q23.3.
Variant type: Deletion.
Coding change: c.23495_23496del on transcript NM_001164508.2 (MANE Select); coding-DNA positions 23495 to 23496, 2 bases deleted (CA; older notation c.23495_23496delCA).
Protein change: p.Thr7832fs; shifts the reading frame from threonine 7832.
Molecular consequence: frameshift variant.
Genome position (GRCh38, 1-based): chr2:151,506,969-151,506,970, TG deleted on the plus strand (CA on the coding strand, the reverse complement: NEB is on the minus strand); deleting any 2 consecutive bases within chr2:151,506,969-151,506,971 gives the same sequence; the c. name uses the placement nearest the transcript's 3' end. VCF-style (leftmost placement, unchanged base first): chr2-151506968-CTG-C. GRCh37 (hg19) VCF-style: chr2-152363482-CTG-C.
Other names: NM_001164508.2(NEB):c.23495_23496del; p.Thr7832fs; c.23495_23496del, p.Thr7832fs (NM_001164507.2); c.23600_23601del, p.Thr7867fs (NM_001271208.2); c.18392_18393del, p.Thr6131fs (NM_004543.5); short protein forms T7832fs, T7867fs, T6131fs.
Identifiers: ClinVar variation 2734284 (VCV002734284.4), dbSNP rs2069560803, ClinGen allele CA1298156130.

ClinVar aggregate classification (germline): Pathogenic. Review status: criteria provided, multiple submitters, no conflicts (2 of 4 stars). 2 submissions from 2 submitters: Pathogenic (2). Last evaluated 2025-03-03.

Conditions:
Nemaline myopathy. Also called: Myopathies, Nemaline. Identifiers: Orphanet 607, MedGen C0206157, MONDO:0018958.
Nemaline myopathy 2 (NEM2). Also called: Nemaline myopathy 2, autosomal recessive. Identifiers: MedGen C1850569, MONDO:0009725, OMIM 256030.

Submissions (2):

Broad Center for Mendelian Genomics, Broad Institute of MIT and Harvard
Classification: Pathogenic for Nemaline myopathy. Last evaluated: 2025-03-03. Review status: criteria provided, single submitter. Criteria: ACMG Guidelines, 2015. Collection method: curation. Allele origin: germline. Inheritance: Autosomal recessive inheritance.
Comment: The p.Thr7832SerfsTer24 variant in NEB has been reported in 4 individuals from 2 families with nemaline myopathy (PMID: 12207938, 12207938), and has been identified in 0.0002% (2/1178320) of European (non-Finnish) chromosomes by the Genome Aggregation Database (gnomAD; dbSNP ID: rs2069560803). Although this variant has been seen in the general population in a heterozygous state, its frequency is low enough to be consistent with a recessive carrier frequency. This variant has also been reported in ClinVar (Variation ID: 2734284) and has been interpreted as pathogenic by Invitae. Of the 4 affected individuals, 2 of them were homozygotes, which increases the likelihood that the p.Thr7832SerfsTer24 variant is pathogenic (PMID: 36714460). This variant is predicted to cause a frameshift, which alters the protein‚Äôs amino acid sequence beginning at position 7832 and leads to a premature termination codon 24 amino acids downstream. This alteration is then predicted to lead to a truncated or absent protein. Loss of function of the NEB gene is an established disease mechanism in autosomal recessive nemaline myopathy. In summary, this variant meets criteria to be classified as pathogenic for autosomal recessive nemaline myopathy. ACMG/AMP Criteria applied: PVS1, PM2_supporting, PM3_supporting (Richards 2015).

Labcorp Genetics (formerly Invitae), Labcorp
Classification: Pathogenic for Nemaline myopathy 2. Last evaluated: 2022-10-28. Review status: criteria provided, single submitter. Criteria: Invitae Variant Classification Sherloc (09022015). Collection method: clinical testing. Allele origin: germline.
Comment: This sequence change creates a premature translational stop signal (p.Thr7867Serfs*24) in the NEB gene. It is expected to result in an absent or disrupted protein product. Loss-of-function variants in NEB are known to be pathogenic (PMID: 25205138). This variant is not present in population databases (gnomAD no frequency). This premature translational stop signal has been observed in individual(s) with nemaline myopathy (PMID: 12207938). For these reasons, this variant has been classified as Pathogenic.

Literature cited by the submitters: PubMed 25205138 (cited by Labcorp Genetics (formerly Invitae), Labcorp); PubMed 12207938 (cited by Labcorp Genetics (formerly Invitae), Labcorp).